The following is an entry in ClinVar:

NM_004655.4(AXIN2):c.1630C>T (p.Pro544Ser)

Gene: AXIN2 (axin 2; minus strand). Cytogenetic location: 17q24.1.
Variant type: single nucleotide variant.
Coding change: c.1630C>T on transcript NM_004655.4 (MANE Select); coding-DNA position 1630, C replaced by T.
Protein change: p.Pro544Ser; replaces proline 544 with serine.
Molecular consequence: missense variant.
Genome position (GRCh38, 1-based): chr17:65,537,406, G>A on the plus strand (C>T on the coding strand, the complement: AXIN2 is on the minus strand). VCF-style: chr17-65537406-G-A. GRCh37 (hg19) VCF-style: chr17-63533524-G-A.
Other names: c.1630C>T, p.Pro544Ser (NM_001363813.1); short protein forms P544S.
Identifiers: ClinVar variation 861853 (VCV000861853.15), dbSNP rs778153491, ClinGen allele CA8718595.
Genomic context (GRCh38, chr17:65,537,406, plus strand): 5'-TTTCCGGAGCCTTGGAGTGGCTTTTGCATTTCGAGTAGCAGTAATACTCGCTGCCCCCAG[G>A]GCAGAAGCAGTGCACCCGCTGCGTGGCCTCCGCCTCGATCTCCTCCTTGGTCTTGGGGAC-3'
Protein context (NP_004646.3, residues 534-554): EATQRVHCFC[Pro544Ser]GGSEYYCYSK

ClinVar aggregate classification (germline): Uncertain significance. Review status: criteria provided, multiple submitters, no conflicts (2 of 4 stars). 5 submissions from 5 submitters: Uncertain significance (4). 1 of the submissions does not count toward it. Last evaluated 2025-08-31.

Conditions:
AXIN2-related disorder.
Hereditary cancer-predisposing syndrome. Also called: Tumor predisposition; Hereditary neoplastic syndrome; Neoplastic Syndromes, Hereditary; Hereditary Cancer Syndrome. Identifiers: Orphanet 140162, MedGen C0027672, MeSH D009386, MONDO:0015356.
Colorectal cancer. Also called: Colorectal cancer, somatic; Malignant Colorectal Neoplasm. Identifiers: MedGen C0346629, MONDO:0005575, OMIM 114500.
Oligodontia-cancer predisposition syndrome. Also called: TOOTH AGENESIS-COLORECTAL CANCER SYNDROME. Identifiers: Orphanet 300576, MedGen C1837750, MONDO:0012075, OMIM 608615. Disease mechanism: loss of function.

Allele frequency attached by ClinVar (database versions not stated): gnomAD exomes below 0.00001; ExAC 0.00001; TOPMed 0.00001.

Submissions (5):

Labcorp Genetics (formerly Invitae), Labcorp
Classification: Uncertain significance for Oligodontia-cancer predisposition syndrome. Last evaluated: 2025-08-31. Review status: criteria provided, single submitter. Criteria: Invitae Variant Classification Sherloc (09022015). Collection method: clinical testing. Allele origin: germline.
Comment: This sequence change replaces proline, which is neutral and non-polar, with serine, which is neutral and polar, at codon 544 of the AXIN2 protein (p.Pro544Ser). This variant is present in population databases (rs778153491, gnomAD 0.0009%). This variant has not been reported in the literature in individuals affected with AXIN2-related conditions. ClinVar contains an entry for this variant (Variation ID: 861853). Invitae Evidence Modeling of protein sequence and biophysical properties (such as structural, functional, and spatial information, amino acid conservation, physicochemical variation, residue mobility, and thermodynamic stability) indicates that this missense variant is not expected to disrupt AXIN2 protein function with a negative predictive value of 80%. In summary, the available evidence is currently insufficient to determine the role of this variant in disease. Therefore, it has been classified as a Variant of Uncertain Significance.

Ambry Genetics
Classification: Uncertain significance for Hereditary cancer-predisposing syndrome. Last evaluated: 2025-02-21. Review status: criteria provided, single submitter. Criteria: Ambry Variant Classification Scheme 2023. Collection method: clinical testing. Allele origin: germline.
Comment: The p.P544S variant (also known as c.1630C>T), located in coding exon 5 of the AXIN2 gene, results from a C to T substitution at nucleotide position 1630. The proline at codon 544 is replaced by serine, an amino acid with similar properties. This amino acid position is not well conserved in available vertebrate species. In addition, this alteration is predicted to be tolerated by in silico analysis. Since supporting evidence is limited at this time, the clinical significance of this alteration remains unclear.

Baylor Genetics
Classification: Uncertain significance for Colorectal cancer. Last evaluated: 2024-03-15. Review status: criteria provided, single submitter. Criteria: ACMG Guidelines, 2015. Collection method: clinical testing. Allele origin: unknown.

GeneDx
Classification: Uncertain significance. Last evaluated: 2023-10-04. Review status: criteria provided, single submitter. Criteria: GeneDx Variant Classification Process June 2021. Collection method: clinical testing. Allele origin: germline. Affected: yes.
Comment: Not observed at significant frequency in large population cohorts (gnomAD); In silico analysis supports that this missense variant does not alter protein structure/function; Has not been previously published as pathogenic or benign to our knowledge

PreventionGenetics, part of Exact Sciences
Classification: Uncertain significance for AXIN2-related condition. Last evaluated: 2024-02-05. Review status: no assertion criteria provided. Collection method: clinical testing. Allele origin: germline. Not counted in ClinVar's aggregate classification.
Comment: The AXIN2 c.1630C>T variant is predicted to result in the amino acid substitution p.Pro544Ser. To our knowledge, this variant has not been reported in the literature. This variant is reported in 0.00088% of alleles in individuals of European (Non-Finnish) descent in gnomAD and is interpreted as variant of uncertain significance in ClinVar. At this time, the clinical significance of this variant is uncertain due to the absence of conclusive functional and genetic evidence.